The following is an entry in ClinVar:

NM_004187.5(KDM5C):c.3068A>G (p.Lys1023Arg)

Gene: KDM5C (lysine demethylase 5C; minus strand). Cytogenetic location: Xp11.22.
Variant type: single nucleotide variant.
Coding change: c.3068A>G on transcript NM_004187.5 (MANE Select); coding-DNA position 3068, A replaced by G.
Protein change: p.Lys1023Arg; replaces lysine 1023 with arginine.
Molecular consequence: missense variant. On other transcripts: non-coding transcript variant (3).
Genome position (GRCh38, 1-based): chrX:53,195,968, T>C on the plus strand (A>G on the coding strand, the complement: KDM5C is on the minus strand). VCF-style: chrX-53195968-T-C. GRCh37 (hg19) VCF-style: chrX-53225150-T-C.
Other names: c.2867A>G, p.Lys956Arg (NM_001146702.2); c.3065A>G, p.Lys1022Arg (NM_001282622.3, NM_001353979.2, NM_001353982.2); c.3068A>G, p.Lys1023Arg (NM_001353978.3, NM_001353981.2, NM_001353984.2); short protein forms K1023R, K1022R, K956R.
Identifiers: ClinVar variation 254201 (VCV000254201.5), dbSNP rs782367133, ClinGen allele CA329166923.

ClinVar aggregate classification (germline): Conflicting classifications of pathogenicity. Review status: criteria provided, conflicting classifications (1 of 4 stars). 2 submissions from 2 submitters: Pathogenic (1); Uncertain significance (1). Last evaluated 2024-04-11.

Conditions:
Smith-Magenis Syndrome-like.
Spastic paraplegia. Identifiers: MedGen C0037772, HP:0001258.

Allele frequency attached by ClinVar (database versions not stated): gnomAD 0.00002; gnomAD exomes 0.00002; TOPMed 0.00002.

Submissions (2):

Labcorp Genetics (formerly Invitae), Labcorp
Classification: Uncertain significance for Spastic paraplegia. Last evaluated: 2024-04-11. Review status: criteria provided, single submitter. Criteria: Invitae Variant Classification Sherloc (09022015). Collection method: clinical testing. Allele origin: germline.
Comment: This sequence change replaces lysine, which is basic and polar, with arginine, which is basic and polar, at codon 1023 of the KDM5C protein (p.Lys1023Arg). This variant is not present in population databases (gnomAD no frequency). This missense change has been observed in individual(s) with clinical features of KDM5C-related conditions (PMID: 27799067). ClinVar contains an entry for this variant (Variation ID: 254201). Advanced modeling of protein sequence and biophysical properties (such as structural, functional, and spatial information, amino acid conservation, physicochemical variation, residue mobility, and thermodynamic stability) performed at Invitae indicates that this missense variant is not expected to disrupt KDM5C protein function with a negative predictive value of 80%. In summary, the available evidence is currently insufficient to determine the role of this variant in disease. Therefore, it has been classified as a Variant of Uncertain Significance.

Lupski Lab, Baylor-Hopkins CMG, Baylor College of Medicine
Classification: Pathogenic for Smith-Magenis Syndrome-like. Last evaluated: 2016-08-15. Review status: criteria provided, single submitter. Criteria: Loviglio et al (Genome Med 2016). Collection method: research. Allele origin: unknown. Inheritance: Autosomal dominant inheritance. Affected: yes. Study: Identification of a RAI1-associated disease network through integration of exome sequencing, transcriptomics and 3D genomics.

Literature cited by the submitters: PubMed 27799067 (cited by Labcorp Genetics (formerly Invitae), Labcorp).